The following is an entry in ClinVar:

ClinVar aggregate classification (germline): Likely benign. Review status: criteria provided, multiple submitters, no conflicts (2 of 4 stars). 4 submissions from 4 submitters: Likely benign (3). 1 of the submissions does not count toward it. Last evaluated 2025-06-15.

Conditions:
RAI1-related disorder. Also called: RAI1-related condition.

Allele frequency attached by ClinVar (database versions not stated): 1000 Genomes Project 30x 0.00016.
gnomAD v4.1: 49 of 1,613,366 alleles (0.003%); highest among the groups gnomAD compares: African/African-American, 0.008%; no homozygotes.

Submissions (4):

Labcorp Genetics (formerly Invitae), Labcorp
Classification: Likely benign. Last evaluated: 2025-06-15. Review status: criteria provided, single submitter. Criteria: Invitae Variant Classification Sherloc (09022015). Collection method: clinical testing. Allele origin: germline.

CeGaT Center for Human Genetics Tuebingen
Classification: Likely benign. Last evaluated: 2023-09-01. Review status: criteria provided, single submitter. Criteria: CeGaT Center For Human Genetics Tuebingen Variant Classification Criteria Version 2. Collection method: clinical testing. Allele origin: germline. Affected: yes. Observed: 1 variant allele.
Comment: RAI1: BP4, BP7

Blueprint Genetics
Classification: Likely benign. Last evaluated: 2021-03-03. Review status: criteria provided, single submitter. Criteria: ACMG Guidelines, 2015. Collection method: clinical testing. Allele origin: germline.

PreventionGenetics, part of Exact Sciences
Classification: Likely benign for RAI1-related condition. Last evaluated: 2023-08-25. Review status: no assertion criteria provided. Collection method: clinical testing. Allele origin: germline. Not counted in ClinVar's aggregate classification.
Comment: This variant is classified as likely benign based on ACMG/AMP sequence variant interpretation guidelines (Richards et al. 2015 PMID: 25741868, with internal and published modifications).

NM_030665.4(RAI1):c.516C>T (p.His172=)

Gene: RAI1 (retinoic acid induced 1; plus strand). Cytogenetic location: 17p11.2.
Variant type: single nucleotide variant.
Coding change: c.516C>T on transcript NM_030665.4 (MANE Select); coding-DNA position 516, C replaced by T.
Protein change: p.His172=; no amino-acid change (histidine 172 retained).
Molecular consequence: synonymous variant.
Genome position (GRCh38, 1-based): chr17:17,793,464, C>T. VCF-style: chr17-17793464-C-T. GRCh37 (hg19) VCF-style: chr17-17696778-C-T.
Other names: c.516C>T (NM_030665.3).
Identifiers: ClinVar variation 2198859 (VCV002198859.29), dbSNP rs147481626, ClinGen allele CA8418141.